The following is an entry in ClinVar:

NM_001077653.2(TBX20):c.481C>G (p.Arg161Gly)

Gene: TBX20 (T-box transcription factor 20; minus strand). Cytogenetic location: 7p14.2.
Variant type: single nucleotide variant.
Coding change: c.481C>G on transcript NM_001077653.2 (MANE Select); coding-DNA position 481, C replaced by G.
Protein change: p.Arg161Gly; replaces arginine 161 with glycine.
Molecular consequence: missense variant.
Genome position (GRCh38, 1-based): chr7:35,248,741, G>C on the plus strand (C>G on the coding strand, the complement: TBX20 is on the minus strand). VCF-style: chr7-35248741-G-C. GRCh37 (hg19) VCF-style: chr7-35288353-G-C.
Other names: c.481C>G, p.Arg161Gly (NM_001166220.1); short protein forms R161G.
Identifiers: ClinVar variation 2747677 (VCV002747677.3), dbSNP rs2128715943, ClinGen allele CA367264646.

ClinVar aggregate classification (germline): Uncertain significance (1 of 4 stars; one submission).

Submission:

Labcorp Genetics (formerly Invitae), Labcorp
Classification: Uncertain significance. Last evaluated: 2024-11-11. Review status: criteria provided, single submitter. Criteria: Invitae Variant Classification Sherloc (09022015). Collection method: clinical testing. Allele origin: germline.
Comment: This sequence change replaces arginine, which is basic and polar, with glycine, which is neutral and non-polar, at codon 161 of the TBX20 protein (p.Arg161Gly). This variant is not present in population databases (gnomAD no frequency). This variant has not been reported in the literature in individuals affected with TBX20-related conditions. ClinVar contains an entry for this variant (Variation ID: 2747677). Invitae Evidence Modeling of protein sequence and biophysical properties (such as structural, functional, and spatial information, amino acid conservation, physicochemical variation, residue mobility, and thermodynamic stability) indicates that this missense variant is expected to disrupt TBX20 protein function with a positive predictive value of 80%. Algorithms developed to predict the effect of sequence changes on RNA splicing suggest that this variant may create or strengthen a splice site. In summary, the available evidence is currently insufficient to determine the role of this variant in disease. Therefore, it has been classified as a Variant of Uncertain Significance.